The following is an entry in ClinVar:

ClinVar aggregate classification (germline): Benign (0 of 4 stars; one submission).

Conditions:
CSMD3-related disorder. Also called: CSMD3-related condition.

Allele frequency attached by ClinVar (database versions not stated): ESP Exome Variant Server 0.00015; gnomAD exomes 0.00071; gnomAD 0.00091; TOPMed 0.00099; ExAC 0.00181; 1000 Genomes Project 30x 0.00234; 1000 Genomes Project 0.00280.
gnomAD v4.1: 1,176 of 1,602,334 alleles (0.073%); highest among the groups gnomAD compares: East Asian, 1.9%; 9 homozygotes.

Submission:

PreventionGenetics, part of Exact Sciences
Classification: Benign for CSMD3-related condition. Last evaluated: 2019-08-01. Review status: no assertion criteria provided. Collection method: clinical testing. Allele origin: germline.
Comment: This variant is classified as benign based on ACMG/AMP sequence variant interpretation guidelines (Richards et al. 2015 PMID: 25741868, with internal and published modifications).

NM_198123.2(CSMD3):c.4043-6T>C

Gene: CSMD3 (CUB and Sushi multiple domains 3; minus strand). Cytogenetic location: 8q23.3.
Variant type: single nucleotide variant.
Coding change: c.4043-6T>C on transcript NM_198123.2 (MANE Select); 6 bases into the intron before coding-DNA position 4043, T replaced by C.
Molecular consequence: intron variant.
Genome position (GRCh38, 1-based): chr8:112,556,960, A>G on the plus strand (T>C on the coding strand, the complement: CSMD3 is on the minus strand). VCF-style: chr8-112556960-A-G. GRCh37 (hg19) VCF-style: chr8-113569189-A-G.
Other names: c.3653-6T>C (NM_001363185.1); c.3731-6T>C (NM_052900.3); c.3923-6T>C (NM_198124.2).
Identifiers: ClinVar variation 3049476 (VCV003049476.2), dbSNP rs142085183, ClinGen allele CA4850255.